The following is an entry in ClinVar:

ClinVar aggregate classification (germline): Pathogenic. Review status: criteria provided, multiple submitters, no conflicts (2 of 4 stars). 5 submissions from 5 submitters: Pathogenic (3). 2 of the submissions do not count toward it. Last evaluated 2025-01-08.

Conditions:
PRPH2-related disorder. Also called: PRPH2-related condition; PRPH2-related disorders. Identifiers: MedGen CN239395.
Retinal dystrophy. Also called: Inherited retinal dystrophy. Identifiers: Orphanet 71862, MedGen C0854723, MeSH D058499, MONDO:0019118, HP:0000556.
Stargardt disease (FFM). Also called: Fundus flavimaculatus; Stargardt's disease. Identifiers: Orphanet 827, MedGen C0271093, MONDO:0019353.

Allele frequency attached by ClinVar (database versions not stated): gnomAD exomes 0.00001.

Submissions (5):

Labcorp Genetics (formerly Invitae), Labcorp
Classification: Pathogenic for PRPH2-related disorder. Last evaluated: 2025-01-08. Review status: criteria provided, single submitter. Criteria: Invitae Variant Classification Sherloc (09022015). Collection method: clinical testing. Allele origin: germline.
Comment: This sequence change creates a premature translational stop signal (p.Asp87Glnfs*87) in the PRPH2 gene. It is expected to result in an absent or disrupted protein product. Loss-of-function variants in PRPH2 are known to be pathogenic (PMID: 8111389, 8485575, 8485576, 8675410, 16916875, 17504850, 22863181, 25675413, 26061163, 27365499, 29555955, 33546218). This variant is not present in population databases (gnomAD no frequency). This premature translational stop signal has been observed in individual(s) with autosomal dominant PRPH2-related conditions (PMID: 24608669, 28041643, 32531846, 32581362). ClinVar contains an entry for this variant (Variation ID: 437964). For these reasons, this variant has been classified as Pathogenic.

Blueprint Genetics
Classification: Pathogenic for PRPH2-related disorders. Last evaluated: 2021-12-28. Review status: criteria provided, single submitter. Criteria: ACMG Guidelines, 2015. Collection method: clinical testing. Allele origin: germline. Affected: yes. Observed: 3 variant alleles.

NEI Ophthalmic Genomics Laboratory, National Institutes of Health
Classification: Pathogenic for Stargardt disease. Last evaluated: 2020-01-07. Review status: criteria provided, single submitter. Criteria: ACMG Guidelines, 2015. Collection method: clinical testing. Allele origin: germline. Affected: yes.
Comment: The variant NM_000322.4:c.259_266delGACCCAGC in the PRPH2 gene has been previously studied (PMIDs 24608669, 28041643). We found this variant in 2 patient(s) in a PRPH2 cohort study (Reeves et al. 2020). This variant is listed in dbSNP and/or HGMD (CD143729). It is absent in gnomAD browser. It is enriched in the PRPH2 disease cohort. We invoked ACMG criteria [PVS1, PS4, PM2, PP5] and classified NM_000322.4:c.259_266delGACCCAGC in the PRPH2 gene as a Pathogenic mutation.

Leiden Open Variation Database
Classification: Pathogenic. Last evaluated: 2021-04-06. Review status: no assertion criteria provided. Collection method: curation. Allele origin: germline. Affected: yes. Not counted in ClinVar's aggregate classification.
Comment: Curator: Global Variome, with Curator vacancy. Submitters to LOVD: LOVD, Manon Peeters.

NIHR Bioresource Rare Diseases, University of Cambridge
Classification: Pathogenic for Retinal dystrophy. Last evaluated: 2015-01-01. Review status: no assertion criteria provided. Collection method: research. Allele origin: unknown. Affected: yes. Observed: 1 variant allele. Not counted in ClinVar's aggregate classification.

Literature cited by the submitters: PubMed 8111389 (cited by Labcorp Genetics (formerly Invitae), Labcorp); PubMed 8485575 (cited by Labcorp Genetics (formerly Invitae), Labcorp); PubMed 8485576 (cited by Labcorp Genetics (formerly Invitae), Labcorp); PubMed 8675410 (cited by Labcorp Genetics (formerly Invitae), Labcorp); PubMed 16916875 (cited by Labcorp Genetics (formerly Invitae), Labcorp); PubMed 17504850 (cited by Labcorp Genetics (formerly Invitae), Labcorp); PubMed 22863181 (cited by Labcorp Genetics (formerly Invitae), Labcorp); PubMed 25675413 (cited by Labcorp Genetics (formerly Invitae), Labcorp); PubMed 26061163 (cited by Labcorp Genetics (formerly Invitae), Labcorp); PubMed 27365499 (cited by Labcorp Genetics (formerly Invitae), Labcorp); PubMed 29555955 (cited by Labcorp Genetics (formerly Invitae), Labcorp); PubMed 33546218 (cited by Labcorp Genetics (formerly Invitae), Labcorp); PubMed 24608669 (cited by 3 submitters); PubMed 28041643 (cited by 3 submitters); PubMed 32531846 (cited by Labcorp Genetics (formerly Invitae), Labcorp and Leiden Open Variation Database); PubMed 32581362 (cited by Labcorp Genetics (formerly Invitae), Labcorp).

NM_000322.5(PRPH2):c.259_266del (p.Asp87fs)

Gene: PRPH2 (peripherin 2; minus strand). Cytogenetic location: 6p21.1.
Variant type: Deletion.
Coding change: c.259_266del on transcript NM_000322.5 (MANE Select); coding-DNA positions 259 to 266, 8 bases deleted (GACCCAGC; older notation c.259_266delGACCCAGC).
Protein change: p.Asp87fs; shifts the reading frame from aspartic acid 87.
Molecular consequence: frameshift variant.
Genome position (GRCh38, 1-based): chr6:42,722,069-42,722,076, GCTGGGTC deleted on the plus strand (GACCCAGC on the coding strand, the reverse complement: PRPH2 is on the minus strand). VCF-style (leftmost placement, unchanged base first): chr6-42722068-GGCTGGGTC-G. GRCh37 (hg19) VCF-style: chr6-42689806-GGCTGGGTC-G.
Other names: c.259_266del (NM_000322.4); short protein forms D87fs.
Identifiers: ClinVar variation 437964 (VCV000437964.13), dbSNP rs1554270834, ClinGen allele CA645509484.